The following is an entry in ClinVar:

ClinVar aggregate classification (germline): Uncertain significance (1 of 4 stars; one submission).

Submission:

Labcorp Genetics (formerly Invitae), Labcorp
Classification: Uncertain significance. Last evaluated: 2023-09-23. Review status: criteria provided, single submitter. Criteria: Invitae Variant Classification Sherloc (09022015). Collection method: clinical testing. Allele origin: germline.
Comment: This variant has not been reported in the literature in individuals affected with MYO6-related conditions. This sequence change replaces glycine, which is neutral and non-polar, with aspartic acid, which is acidic and polar, at codon 156 of the MYO6 protein (p.Gly156Asp). This variant is not present in population databases (gnomAD no frequency). Advanced modeling of protein sequence and biophysical properties (such as structural, functional, and spatial information, amino acid conservation, physicochemical variation, residue mobility, and thermodynamic stability) performed at Invitae indicates that this missense variant is expected to disrupt MYO6 protein function. In summary, the available evidence is currently insufficient to determine the role of this variant in disease. Therefore, it has been classified as a Variant of Uncertain Significance.

NM_004999.4(MYO6):c.467G>A (p.Gly156Asp)

Gene: MYO6 (myosin VI; plus strand). Cytogenetic location: 6q14.1.
Variant type: single nucleotide variant.
Coding change: c.467G>A on transcript NM_004999.4 (MANE Select); coding-DNA position 467, G replaced by A.
Protein change: p.Gly156Asp; replaces glycine 156 with aspartic acid.
Molecular consequence: missense variant. On other transcripts: non-coding transcript variant (2).
Genome position (GRCh38, 1-based): chr6:75,832,917, G>A. VCF-style: chr6-75832917-G-A. GRCh37 (hg19) VCF-style: chr6-76542634-G-A.
Other names: c.467G>A, p.Gly156Asp (NM_001368138.1, NM_001368139.1, NM_001368140.1 and 5 more transcripts); short protein forms G156D.
Identifiers: ClinVar variation 2762992 (VCV002762992.3), dbSNP rs868572055, ClinGen allele CA141077785.